The following is an entry in ClinVar:

NM_001135146.2(SLC39A8):c.876G>C (p.Leu292Phe)

Genes: SLC39A8 (solute carrier family 39 member 8; minus strand), LOC126807125 (MED14-independent group 3 enhancer GRCh37_chr4:103188587-103189786; plus strand). Cytogenetic location: 4q24.
Variant type: single nucleotide variant.
Coding change: c.876G>C on transcript NM_001135146.2 (MANE Select); coding-DNA position 876, G replaced by C.
Protein change: p.Leu292Phe; replaces leucine 292 with phenylalanine.
Molecular consequence: missense variant.
Genome position (GRCh38, 1-based): chr4:102,268,044, C>G on the plus strand (G>C on the coding strand, the complement: SLC39A8 is on the minus strand). VCF-style: chr4-102268044-C-G. GRCh37 (hg19) VCF-style: chr4-103189201-C-G.
Other names: c.876G>C, p.Leu292Phe (NM_001135147.1, NM_022154.5); c.675G>C, p.Leu225Phe (NM_001135148.2); short protein forms L225F, L292F.
Identifiers: ClinVar variation 3253444 (VCV003253444.2), dbSNP rs2476348158.
Genomic context (GRCh38, chr4:102,268,044, plus strand): 5'-GGCATCGCAGAGCGTTATCATCCAGGCAATCGTCCCTATTTCTGACAGTTTGGGCCCCTT[C>G]AAACAGGTACATGAACTTGGCTCTTTTTTTCCATCCTAGCAGAAAATCAATTAAAATGAT-3'
Protein context (NP_001128618.1, residues 282-302): GKKEPSSCTC[Leu292Phe]KGPKLSEIGT

ClinVar aggregate classification (germline): Uncertain significance (1 of 4 stars; one submission).

Submission:

GeneDx
Classification: Uncertain significance. Last evaluated: 2026-06-07. Review status: criteria provided, single submitter. Criteria: GeneDx Variant Classification Process June 2021. Collection method: clinical testing. Allele origin: germline.
Comment: Not observed at significant frequency in large population cohorts (gnomAD); In silico analysis suggests that this missense variant does not alter protein structure/function; Has not been previously published as pathogenic or benign to our knowledge